The following is an entry in ClinVar:

NM_002234.4(KCNA5):c.1762G>A (p.Val588Ile)

Gene: KCNA5 (potassium voltage-gated channel subfamily A member 5; plus strand). Cytogenetic location: 12p13.32.
Variant type: single nucleotide variant.
Coding change: c.1762G>A on transcript NM_002234.4 (MANE Select); coding-DNA position 1762, G replaced by A.
Protein change: p.Val588Ile; replaces valine 588 with isoleucine.
Molecular consequence: missense variant.
Genome position (GRCh38, 1-based): chr12:5,045,909, G>A. VCF-style: chr12-5045909-G-A. GRCh37 (hg19) VCF-style: chr12-5155075-G-A.
Other names: short protein forms V588I.
Identifiers: ClinVar variation 1423839 (VCV001423839.8), dbSNP rs779699586, ClinGen allele CA383467165.
Genomic context (GRCh38, chr12:5,045,909, plus strand): 5'-GGGACCCTGGAGAATGCAGACAGTGCCCGAAGGGGCAGCTGCCCCCTAGAGAAGTGTAAC[G>A]TCAAGGCCAAGAGCAACGTGGACTTGCGGAGGTCCCTTTATGCCCTCTGCCTGGACACCA-3'
Protein context (NP_002225.2, residues 578-598): RGSCPLEKCN[Val588Ile]KAKSNVDLRR

ClinVar aggregate classification (germline): Uncertain significance (1 of 4 stars; one submission).

Conditions:
Atrial fibrillation, familial, 7 (ATFB7). Identifiers: MedGen C2677106, MONDO:0012828, OMIM 612240.

Allele frequency attached by ClinVar (database versions not stated): TOPMed 0.00001.

Submission:

Labcorp Genetics (formerly Invitae), Labcorp
Classification: Uncertain significance for Atrial fibrillation, familial, 7. Last evaluated: 2023-07-07. Review status: criteria provided, single submitter. Criteria: Invitae Variant Classification Sherloc (09022015). Collection method: clinical testing. Allele origin: germline.
Comment: In summary, the available evidence is currently insufficient to determine the role of this variant in disease. Therefore, it has been classified as a Variant of Uncertain Significance. Algorithms developed to predict the effect of missense changes on protein structure and function output the following: SIFT: "Not Available"; PolyPhen-2: "Benign"; Align-GVGD: "Not Available". The isoleucine amino acid residue is found in multiple mammalian species, which suggests that this missense change does not adversely affect protein function. ClinVar contains an entry for this variant (Variation ID: 1423839). This variant has not been reported in the literature in individuals affected with KCNA5-related conditions. This variant is present in population databases (no rsID available, gnomAD 0.006%). This sequence change replaces valine, which is neutral and non-polar, with isoleucine, which is neutral and non-polar, at codon 588 of the KCNA5 protein (p.Val588Ile).